The following is an entry in ClinVar:

ClinVar aggregate classification (germline): Uncertain significance (1 of 4 stars; one submission).

Conditions:
MHC class II deficiency. Also called: Bare lymphocyte syndrome 2; BLS, TYPE II. Identifiers: Orphanet 572, MedGen C5447452, MONDO:0008855.

Allele frequency attached by ClinVar (database versions not stated): TOPMed below 0.00001.

Submission:

Labcorp Genetics (formerly Invitae), Labcorp
Classification: Uncertain significance for MHC class II deficiency. Last evaluated: 2021-11-15. Review status: criteria provided, single submitter. Criteria: Invitae Variant Classification Sherloc (09022015). Collection method: clinical testing. Allele origin: germline.
Comment: This sequence change replaces aspartic acid, which is acidic and polar, with asparagine, which is neutral and polar, at codon 630 of the CIITA protein (p.Asp630Asn). This variant is not present in population databases (gnomAD no frequency). This variant has not been reported in the literature in individuals affected with CIITA-related conditions. Algorithms developed to predict the effect of missense changes on protein structure and function (SIFT, PolyPhen-2, Align-GVGD) all suggest that this variant is likely to be tolerated. In summary, the available evidence is currently insufficient to determine the role of this variant in disease. Therefore, it has been classified as a Variant of Uncertain Significance.

NM_000246.4(CIITA):c.1888G>A (p.Asp630Asn)

Gene: CIITA (class II major histocompatibility complex transactivator; plus strand). Cytogenetic location: 16p13.13.
Variant type: single nucleotide variant.
Coding change: c.1888G>A on transcript NM_000246.4 (MANE Select); coding-DNA position 1888, G replaced by A.
Protein change: p.Asp630Asn; replaces aspartic acid 630 with asparagine.
Molecular consequence: missense variant. On other transcripts: intron variant (1).
Genome position (GRCh38, 1-based): chr16:10,907,380, G>A. VCF-style: chr16-10907380-G-A. GRCh37 (hg19) VCF-style: chr16-11001237-G-A.
Other names: c.1891G>A, p.Asp631Asn (NM_001286402.1, NM_001379332.1); c.1744G>A, p.Asp582Asn (NM_001379330.1); c.1741G>A, p.Asp581Asn (NM_001379331.1); c.1888G>A, p.Asp630Asn (NM_001379333.1); c.1819G>A, p.Asp607Asn (NM_001379334.1); c.860-1603G>A (NM_001286403.2); short protein forms D582N, D631N, D581N, D607N, D630N.
Identifiers: ClinVar variation 1351788 (VCV001351788.6), dbSNP rs2039242557, ClinGen allele CA394731972.